The following is an entry in ClinVar:

ClinVar aggregate classification (germline): Uncertain significance (1 of 4 stars; one submission).

Conditions:
Combined immunodeficiency due to STIM1 deficiency. Also called: IMMUNODEFICIENCY 10; STIM1 DEFICIENCY. Identifiers: Orphanet 169090, Orphanet 317430, MedGen C2748557, MONDO:0013008, OMIM 612783.
Myopathy with tubular aggregates (TAM). Also called: Tubular Aggregate Myopathy. Identifiers: Orphanet 2593, MedGen C0410207, MONDO:0008051.
Stormorken syndrome (STRMK). Also called: THROMBOCYTOPATHY, ASPLENIA, AND MIOSIS. Identifiers: Orphanet 3204, MedGen C1861451, MONDO:0008497, OMIM 185070.

Submission:

Labcorp Genetics (formerly Invitae), Labcorp
Classification: Uncertain significance for Myopathy with tubular aggregates; Combined immunodeficiency due to STIM1 deficiency; Stormorken syndrome. Last evaluated: 2022-11-16. Review status: criteria provided, single submitter. Criteria: Invitae Variant Classification Sherloc (09022015). Collection method: clinical testing. Allele origin: germline.
Comment: In summary, the available evidence is currently insufficient to determine the role of this variant in disease. Therefore, it has been classified as a Variant of Uncertain Significance. Advanced modeling of protein sequence and biophysical properties (such as structural, functional, and spatial information, amino acid conservation, physicochemical variation, residue mobility, and thermodynamic stability) has been performed at Invitae for this missense variant, however the output from this modeling did not meet the statistical confidence thresholds required to predict the impact of this variant on STIM1 protein function. This variant has not been reported in the literature in individuals affected with STIM1-related conditions. This variant is not present in population databases (gnomAD no frequency). This sequence change replaces lysine, which is basic and polar, with arginine, which is basic and polar, at codon 650 of the STIM1 protein (p.Lys650Arg).

NM_001382567.1(STIM1):c.2042A>G (p.Lys681Arg)

Genes: STIM1 (stromal interaction molecule 1; plus strand), LOC124418421 (Sharpr-MPRA regulatory region 9588; plus strand). Cytogenetic location: 11p15.4.
Variant type: single nucleotide variant.
Coding change: c.2042A>G on transcript NM_001382567.1 (MANE Select); coding-DNA position 2042, A replaced by G.
Protein change: p.Lys681Arg; replaces lysine 681 with arginine.
Molecular consequence: missense variant. On other transcripts: 3 prime UTR variant (4), non-coding transcript variant (3).
Genome position (GRCh38, 1-based): chr11:4,091,689, A>G. VCF-style: chr11-4091689-A-G. GRCh37 (hg19) VCF-style: chr11-4112919-A-G.
Other names: c.2045A>G, p.Lys682Arg (NM_001382566.1); c.1970A>G, p.Lys657Arg (NM_001382568.1); c.1814A>G, p.Lys605Arg (NM_001382569.1); c.1721A>G, p.Lys574Arg (NM_001382570.1); c.1469A>G, p.Lys490Arg (NM_001382571.1); c.1727A>G, p.Lys576Arg (NM_001382575.1, NM_001382576.1, NM_001382577.1); c.*363A>G (NM_001382578.1, NM_001277962.2, NM_001382579.1 and 1 more transcripts); c.2267A>G, p.Lys756Arg (NM_001277961.3); and 2 more; short protein forms K605R, K681R, K487R, K490R, K574R, K576R, K657R, K650R.
Identifiers: ClinVar variation 2941598 (VCV002941598.3), dbSNP rs2498546437, ClinGen allele CA379198044.
Genomic context (GRCh38, chr11:4,091,689, plus strand): 5'-TTGGGGACAGCCGAGCCCTGCAAGCCAGCCGAAACACACGCATTCCCCACCTGGCTGGCA[A>G]GAAGGCTGTGGCTGAGGAGGATAATGGCTCTATTGGCGAGGAAACAGACTCCAGCCCAGG-3'
Protein context (NP_001369496.1, residues 671-691): RNTRIPHLAG[Lys681Arg]KAVAEEDNGS